The following is an entry in ClinVar:

ClinVar aggregate classification (germline): Uncertain significance. Review status: criteria provided, multiple submitters, no conflicts (2 of 4 stars). 2 submissions from 2 submitters: Uncertain significance (2). Last evaluated 2025-12-08.

gnomAD v4.1: 4 of 1,612,652 alleles (0.00025%); highest among the groups gnomAD compares: Non-Finnish European, 0.00034%; no homozygotes.

Submissions (2):

Labcorp Genetics (formerly Invitae), Labcorp
Classification: Uncertain significance. Last evaluated: 2025-12-08. Review status: criteria provided, single submitter. Criteria: Invitae Variant Classification Sherloc (09022015). Collection method: clinical testing. Allele origin: germline.
Comment: This sequence change replaces leucine, which is neutral and non-polar, with valine, which is neutral and non-polar, at codon 788 of the COL11A2 protein (p.Leu788Val). This variant is present in population databases (no rsID available, gnomAD 0.0009%). This variant has not been reported in the literature in individuals affected with COL11A2-related conditions. ClinVar contains an entry for this variant (Variation ID: 2095580). Invitae Evidence Modeling of protein sequence and biophysical properties (such as structural, functional, and spatial information, amino acid conservation, physicochemical variation, residue mobility, and thermodynamic stability) indicates that this missense variant is not expected to disrupt COL11A2 protein function with a negative predictive value of 95%. In summary, the available evidence is currently insufficient to determine the role of this variant in disease. Therefore, it has been classified as a Variant of Uncertain Significance.

Blueprint Genetics
Classification: Uncertain significance. Last evaluated: 2024-08-27. Review status: criteria provided, single submitter. Criteria: ACMG Guidelines, 2015. Collection method: clinical testing. Allele origin: germline.

NM_080680.3(COL11A2):c.2362C>G (p.Leu788Val)

Gene: COL11A2 (collagen type XI alpha 2 chain; minus strand). Cytogenetic location: 6p21.32.
Variant type: single nucleotide variant.
Coding change: c.2362C>G on transcript NM_080680.3 (MANE Select); coding-DNA position 2362, C replaced by G.
Protein change: p.Leu788Val; replaces leucine 788 with valine.
Molecular consequence: missense variant.
Genome position (GRCh38, 1-based): chr6:33,175,588, G>C on the plus strand (C>G on the coding strand, the complement: COL11A2 is on the minus strand). VCF-style: chr6-33175588-G-C. GRCh37 (hg19) VCF-style: chr6-33143365-G-C.
Other names: c.2041C>G, p.Leu681Val (NM_080679.3); c.2104C>G, p.Leu702Val (NM_080681.3); short protein forms L788V, L681V, L702V.
Identifiers: ClinVar variation 2095580 (VCV002095580.5), dbSNP rs1228070542, ClinGen allele CA363646438.
Genomic context (GRCh38, chr6:33,175,588, plus strand): 5'-GCCCACACCCCCAGAGGACCCAGGCACAGAACCCTCATCCCATCACCTTCTCGCCCATGA[G>C]CCCTGGGGGCCCAGGGTCTCCAGTCGGTCCAGTGCGTCCCTTTGGCCCCTCAGGACCATC-3'
Protein context (NP_542411.2, residues 778-798): GPTGDPGPPG[Leu788Val]MGEKGKLGVP